The following is an entry in ClinVar:

NM_000384.3(APOB):c.8851G>A (p.Glu2951Lys)

Gene: APOB (apolipoprotein B; minus strand). Cytogenetic location: 2p24.1.
Variant type: single nucleotide variant.
Coding change: c.8851G>A on transcript NM_000384.3 (MANE Select); coding-DNA position 8851, G replaced by A.
Protein change: p.Glu2951Lys; replaces glutamic acid 2951 with lysine.
Molecular consequence: missense variant.
Genome position (GRCh38, 1-based): chr2:21,008,017, C>T on the plus strand (G>A on the coding strand, the complement: APOB is on the minus strand). VCF-style: chr2-21008017-C-T. GRCh37 (hg19) VCF-style: chr2-21230889-C-T.
Other names: short protein forms E2951K.
Identifiers: ClinVar variation 955715 (VCV000955715.11), dbSNP rs755952082, ClinGen allele CA066068.

ClinVar aggregate classification (germline): Uncertain significance. Review status: criteria provided, multiple submitters, no conflicts (2 of 4 stars). 3 submissions from 3 submitters: Uncertain significance (3). Last evaluated 2024-08-11.

Conditions:
Familial hypobetalipoproteinemia 1. Also called: APOB-Related Familial Hypobetalipoproteinemia; Hypobetalipoproteinemia, normotriglyceridemic; Acanthocytosis with hypobetalipoproteinemia. Identifiers: MedGen C4551990, MONDO:0014252, OMIM 615558.
Hypercholesterolemia, autosomal dominant, type B (FHCL2). Also called: Familial Hypercholesterolemia Type B; APOLIPOPROTEIN B-100, FAMILIAL DEFECTIVE; APOLIPOPROTEIN B-100, FAMILIAL LIGAND-DEFECTIVE; APOB-Related Familial Hypercholesterolemia, Autosomal Dominant; Familial hypercholesterolemia 2; Hyperlipoproteinemia Type IIb. Identifiers: MedGen C1704417, MONDO:0007751, OMIM 144010.
Cardiovascular phenotype. Identifiers: MedGen CN230736.

Allele frequency attached by ClinVar (database versions not stated): TOPMed below 0.00001; gnomAD exomes 0.00001; ExAC 0.00002.
gnomAD v4.1: 11 of 1,614,090 alleles (0.00068%); highest among the groups gnomAD compares: Non-Finnish European, 0.00093%; no homozygotes.

Submissions (3):

Ambry Genetics
Classification: Uncertain significance for Cardiovascular phenotype. Last evaluated: 2024-08-11. Review status: criteria provided, single submitter. Criteria: Ambry Variant Classification Scheme 2023. Collection method: clinical testing. Allele origin: germline.
Comment: The p.E2951K variant (also known as c.8851G>A), located in coding exon 26 of the APOB gene, results from a G to A substitution at nucleotide position 8851. The glutamic acid at codon 2951 is replaced by lysine, an amino acid with similar properties. This amino acid position is conserved. In addition, this alteration is predicted to be tolerated by in silico analysis. Based on the available evidence, the clinical significance of this variant remains unclear.

Labcorp Genetics (formerly Invitae), Labcorp
Classification: Uncertain significance for Familial hypobetalipoproteinemia 1; Hypercholesterolemia, autosomal dominant, type B. Last evaluated: 2021-09-01. Review status: criteria provided, single submitter. Criteria: Invitae Variant Classification Sherloc (09022015). Collection method: clinical testing. Allele origin: germline.
Comment: This sequence change replaces glutamic acid with lysine at codon 2951 of the APOB protein (p.Glu2951Lys). The glutamic acid residue is weakly conserved and there is a small physicochemical difference between glutamic acid and lysine. This variant is present in population databases (rs755952082, ExAC 0.003%). This variant has not been reported in the literature in individuals affected with APOB-related conditions. Algorithms developed to predict the effect of missense changes on protein structure and function output the following: SIFT: "Tolerated"; PolyPhen-2: "Benign"; Align-GVGD: "Class C0". The lysine amino acid residue is found in multiple mammalian species, which suggests that this missense change does not adversely affect protein function. In summary, the available evidence is currently insufficient to determine the role of this variant in disease. Therefore, it has been classified as a Variant of Uncertain Significance.

Fulgent Genetics
Classification: Uncertain significance for Hypercholesterolemia, autosomal dominant, type B; Familial hypobetalipoproteinemia 1. Last evaluated: 2021-07-22. Review status: criteria provided, single submitter. Criteria: ACMG Guidelines, 2015. Collection method: clinical testing. Allele origin: unknown.